The following is an entry in ClinVar:

ClinVar aggregate classification (germline): Uncertain significance (1 of 4 stars; one submission).

Conditions:
Bloom syndrome (BLM). Also called: Bloom-Torre-Machacek syndrome. Identifiers: Orphanet 125, MedGen C0005859, MONDO:0008876, OMIM 210900.

Submission:

Labcorp Genetics (formerly Invitae), Labcorp
Classification: Uncertain significance for Bloom syndrome. Last evaluated: 2023-05-15. Review status: criteria provided, single submitter. Criteria: Invitae Variant Classification Sherloc (09022015). Collection method: clinical testing. Allele origin: germline.
Comment: In summary, the available evidence is currently insufficient to determine the role of this variant in disease. Therefore, it has been classified as a Variant of Uncertain Significance. Algorithms developed to predict the effect of missense changes on protein structure and function output the following: SIFT: "Not Available"; PolyPhen-2: "Benign"; Align-GVGD: "Not Available". The proline amino acid residue is found in multiple mammalian species, which suggests that this missense change does not adversely affect protein function. This variant has not been reported in the literature in individuals affected with BLM-related conditions. This variant is not present in population databases (gnomAD no frequency). This sequence change replaces alanine, which is neutral and non-polar, with proline, which is neutral and non-polar, at codon 196 of the BLM protein (p.Ala196Pro).

NM_000057.4(BLM):c.586G>C (p.Ala196Pro)

Gene: BLM (BLM RecQ like helicase; plus strand). Cytogenetic location: 15q26.1.
Variant type: single nucleotide variant.
Coding change: c.586G>C on transcript NM_000057.4 (MANE Select); coding-DNA position 586, G replaced by C.
Protein change: p.Ala196Pro; replaces alanine 196 with proline.
Molecular consequence: missense variant. On other transcripts: 5 prime UTR variant (1).
Genome position (GRCh38, 1-based): chr15:90,749,854, G>C. VCF-style: chr15-90749854-G-C. GRCh37 (hg19) VCF-style: chr15-91293084-G-C.
Other names: c.586G>C, p.Ala196Pro (NM_001287246.2, NM_001287247.2); c.-706G>C (NM_001287248.2); short protein forms A196P.
Identifiers: ClinVar variation 2864360 (VCV002864360.3), dbSNP rs1567035597, ClinGen allele CA393841115.